The following is an entry in ClinVar:

ClinVar aggregate classification (germline): Uncertain significance (1 of 4 stars; one submission).

Submission:

Women's Health and Genetics/Laboratory Corporation of America, LabCorp
Classification: Uncertain significance. Last evaluated: 2025-05-22. Review status: criteria provided, single submitter. Criteria: LabCorp Variant Classification Summary - May 2015. Collection method: clinical testing. Allele origin: germline.
Comment: Variant summary: BPTF c.5023_5028dupATTACT (p.Ile1675_Thr1676dup) results in an in-frame duplication that is predicted to duplicate two amino acids into the encoded protein. The variant was absent in 250396 control chromosomes (gnomAD). The available data on variant occurrences in the general population are insufficient to allow any conclusion about variant significance. To our knowledge, no occurrence of c.5023_5028dupATTACT in individuals affected with Neurodevelopmental Disorder With Dysmorphic Facies And Distal Limb Anomalies and no experimental evidence demonstrating its impact on protein function have been reported. No submitters have cited clinical-significance assessments for this variant to ClinVar. Based on the evidence outlined above, the variant was classified as uncertain significance.

NM_182641.4(BPTF):c.4645_4650dup (p.Thr1550_Ser1551insIleThr)

Gene: BPTF (bromodomain PHD finger transcription factor; plus strand). Cytogenetic location: 17q24.2.
Variant type: Duplication.
Coding change: c.4645_4650dup on transcript NM_182641.4 (MANE Select); coding-DNA positions 4645 to 4650, 6 bases duplicated (ATTACT; older notation c.4645_4650dupATTACT).
Protein change: p.Thr1550_Ser1551insIleThr.
Molecular consequence: inframe insertion.
Genome position (GRCh38, 1-based): chr17:67,912,529-67,912,534, ATTACT duplicated; duplicating any 6 consecutive bases within chr17:67,912,527-67,912,534 gives the same sequence; the c. name uses the placement nearest the transcript's 3' end. VCF-style (leftmost placement, unchanged base first): chr17-67912526-C-CCTATTA. GRCh37 (hg19) VCF-style: chr17-65908642-C-CCTATTA.
Other names: c.5023_5028dup, p.Thr1676_Ser1677insIleThr (NM_004459.7); c.5023_5028dupATTACT (NM_004459.7).
Identifiers: ClinVar variation 3902765 (VCV003902765.1).
Genomic context (GRCh38, chr17:67,912,526, plus strand): 5'-GTTAATCAGGTAGAAGATATGGAAATAGAAACCTCAGAAGTTAAGAAAGTTACTTCATCA[C>CCTATTA]CTATTACTTCTGAAGAGGAATCTAATCTCAGTAATGACTTTATTGATGAAAATGGTCTGC-3'